The following is an entry in ClinVar:

ClinVar aggregate classification (germline): Likely benign. Review status: criteria provided, multiple submitters, no conflicts (2 of 4 stars). 3 submissions from 3 submitters: Likely benign (2). 1 of the submissions does not count toward it. Last evaluated 2025-08-10.

Conditions:
ARHGEF1-related disorder. Also called: ARHGEF1-related condition.

Allele frequency attached by ClinVar (database versions not stated): ExAC 0.00005; gnomAD 0.00007; ESP Exome Variant Server 0.00008; TOPMed 0.00010; 1000 Genomes Project 30x 0.00016; 1000 Genomes Project 0.00020.
gnomAD v4.1: 119 of 1,613,946 alleles (0.0074%); highest among the groups gnomAD compares: Admixed American, 0.033%; no homozygotes.

Submissions (3):

Labcorp Genetics (formerly Invitae), Labcorp
Classification: Likely benign. Last evaluated: 2025-08-10. Review status: criteria provided, single submitter. Criteria: Invitae Variant Classification Sherloc (09022015). Collection method: clinical testing. Allele origin: germline.

Blueprint Genetics
Classification: Likely benign. Last evaluated: 2022-05-11. Review status: criteria provided, single submitter. Criteria: ACMG Guidelines, 2015. Collection method: clinical testing. Allele origin: germline.

PreventionGenetics, part of Exact Sciences
Classification: Likely benign for ARHGEF1-related condition. Last evaluated: 2023-06-02. Review status: no assertion criteria provided. Collection method: clinical testing. Allele origin: germline. Not counted in ClinVar's aggregate classification.
Comment: This variant is classified as likely benign based on ACMG/AMP sequence variant interpretation guidelines (Richards et al. 2015 PMID: 25741868, with internal and published modifications).

NM_004706.4(ARHGEF1):c.339G>A (p.Pro113=)

Gene: ARHGEF1 (Rho guanine nucleotide exchange factor 1; plus strand). Cytogenetic location: 19q13.2.
Variant type: single nucleotide variant.
Coding change: c.339G>A on transcript NM_004706.4 (MANE Select); coding-DNA position 339, G replaced by A.
Protein change: p.Pro113=; no amino-acid change (proline 113 retained).
Molecular consequence: synonymous variant. On other transcripts: non-coding transcript variant (2).
Genome position (GRCh38, 1-based): chr19:41,892,345, G>A. VCF-style: chr19-41892345-G-A. GRCh37 (hg19) VCF-style: chr19-42396416-G-A.
Other names: c.339G>A, p.Pro113= (NM_001396000.1, NM_001396003.1, NM_001396006.1); c.240G>A, p.Pro80= (NM_001396002.1, NM_001396004.1, NM_198977.2); c.384G>A, p.Pro128= (NM_199002.2); c.384G>A (NM_199002.1).
Identifiers: ClinVar variation 2055142 (VCV002055142.7), dbSNP rs201880696, ClinGen allele CA9465873.
Genomic context (GRCh38, chr19:41,892,345, plus strand): 5'-CAGCACACCAAGTCCTCCTCTTCACCCCATTCTCTCTCTTGAGCAGGTTCTCCGGGTGCC[G>A]GTCCCTCCCAACGTCGCCTTTGAACTTGGTAAGGAGAAGGATGGGATGAGGGAGAGGTGT-3'
Protein context (NP_004697.2, residues 103-123): FLEKTAVLRV[Pro113=]VPPNVAFELD